The following is an entry in ClinVar:

ClinVar aggregate classification (germline): Uncertain significance (1 of 4 stars; one submission).

Conditions:
Paget disease of bone 2, early-onset (PDB2). Also called: Paget disease of bone 2. Identifiers: MedGen C4085251, MONDO:0011183, OMIM 602080.
Frontotemporal dementia and/or amyotrophic lateral sclerosis 1 (FTDALS1). Also called: Frontotemporal dementia with motor neuron disease 1; C9orf72 Frontotemporal Dementia and/or Amyotrophic Lateral Sclerosis. Identifiers: Orphanet 275872, MedGen C5779877, MONDO:0007105, OMIM 105550.

Allele frequency attached by ClinVar (database versions not stated): gnomAD exomes below 0.00001.
gnomAD v4.1: 2 of 1,614,208 alleles (0.00012%); highest among the groups gnomAD compares: African/African-American, 0.0013%; no homozygotes.

Submission:

Labcorp Genetics (formerly Invitae), Labcorp
Classification: Uncertain significance for Paget disease of bone 2, early-onset; Frontotemporal dementia and/or amyotrophic lateral sclerosis 1. Last evaluated: 2025-11-18. Review status: criteria provided, single submitter. Criteria: Invitae Variant Classification Sherloc (09022015). Collection method: clinical testing. Allele origin: germline.
Comment: This sequence change replaces isoleucine, which is neutral and non-polar, with threonine, which is neutral and polar, at codon 395 of the SQSTM1 protein (p.Ile395Thr). This variant is present in population databases (no rsID available, gnomAD 0.0009%). This variant has not been reported in the literature in individuals affected with SQSTM1-related conditions. ClinVar contains an entry for this variant (Variation ID: 1445286). Invitae Evidence Modeling of protein sequence and biophysical properties (such as structural, functional, and spatial information, amino acid conservation, physicochemical variation, residue mobility, and thermodynamic stability) has been performed for this missense variant. However, the output from this modeling did not meet the statistical confidence thresholds required to predict the impact of this variant on SQSTM1 protein function. In summary, the available evidence is currently insufficient to determine the role of this variant in disease. Therefore, it has been classified as a Variant of Uncertain Significance.

NM_003900.5(SQSTM1):c.1184T>C (p.Ile395Thr)

Gene: SQSTM1 (sequestosome 1; plus strand). Cytogenetic location: 5q35.3.
Variant type: single nucleotide variant.
Coding change: c.1184T>C on transcript NM_003900.5 (MANE Select); coding-DNA position 1184, T replaced by C.
Protein change: p.Ile395Thr; replaces isoleucine 395 with threonine.
Molecular consequence: missense variant.
Genome position (GRCh38, 1-based): chr5:179,836,454, T>C. VCF-style: chr5-179836454-T-C. GRCh37 (hg19) VCF-style: chr5-179263454-T-C.
Other names: c.932T>C, p.Ile311Thr (NM_001142298.2, NM_001142299.2); short protein forms I311T, I395T.
Identifiers: ClinVar variation 1445286 (VCV001445286.6), dbSNP rs1471635040, ClinGen allele CA362453634.
Genomic context (GRCh38, chr5:179,836,454, plus strand): 5'-GGCTCAGCACCACTCCTCATGGCTTCCTTACTGTTTCGGCAGAGGCTGACCCGCGGCTGA[T>C]TGAGTCCCTCTCCCAGATGCTGTCCATGGGCTTCTCTGATGAAGGCGGCTGGCTCACCAG-3'
Protein context (NP_003891.1, residues 385-405): HLPPEADPRL[Ile395Thr]ESLSQMLSMG